The following is an entry in ClinVar:

NM_000038.6(APC):c.3230_3238del (p.Val1077_Thr1079del)

Gene: APC (APC regulator of Wnt signaling pathway; plus strand). Cytogenetic location: 5q22.2.
Variant type: Deletion.
Coding change: c.3230_3238del on transcript NM_000038.6 (MANE Select); coding-DNA positions 3230 to 3238, 9 bases deleted (TTTATACTG; older notation c.3230_3238delTTTATACTG).
Protein change: p.Val1077_Thr1079del.
Molecular consequence: inframe deletion. On other transcripts: inframe indel (20).
Genome position (GRCh38, 1-based): chr5:112,838,824-112,838,832, TTTATACTG deleted; deleting any 9 consecutive bases within chr5:112,838,821-112,838,832 gives the same sequence; the c. name uses the placement nearest the transcript's 3' end. VCF-style (leftmost placement, unchanged base first): chr5-112838820-CCTGTTTATA-C. GRCh37 (hg19) VCF-style: chr5-112174517-CCTGTTTATA-C.
Other names: c.3053_3061del, p.Val1018_Thr1020del (NM_001354901.2); c.2957_2965del, p.Val986_Thr988del (NM_001354902.2); c.2927_2935del, p.Val976_Thr978del (NM_001354903.2); c.2852_2860del, p.Val951_Thr953del (NM_001354904.2); c.2750_2758del, p.Val917_Thr919del (NM_001354905.2); c.2381_2389del, p.Val794_Thr796del (NM_001354906.2); c.3314_3322delTTTATACTG, p.Val1105_Thr1107del (NM_001407446.1); c.3284_3292delTTTATACTG, p.Val1095_Thr1097del (NM_001407447.1, NM_001407448.1, NM_001407449.1); and 16 more.
Identifiers: ClinVar variation 1809542 (VCV001809542.4), dbSNP rs2533481730, ClinGen allele CA2580072928.

ClinVar aggregate classification (germline): Uncertain significance. Review status: criteria provided, multiple submitters, no conflicts (2 of 4 stars). 2 submissions from 2 submitters: Uncertain significance (2). Last evaluated 2024-01-30.

Conditions:
Familial adenomatous polyposis 1 (FAP1). Also called: FAMILIAL ADENOMATOUS POLYPOSIS 1, ATTENUATED; POLYPOSIS, ADENOMATOUS INTESTINAL. Identifiers: MedGen C2713442, MONDO:0021056, OMIM 175100. Disease mechanism: loss of function.

Submissions (2):

Labcorp Genetics (formerly Invitae), Labcorp
Classification: Uncertain significance for Familial adenomatous polyposis 1. Last evaluated: 2024-01-30. Review status: criteria provided, single submitter. Criteria: Invitae Variant Classification Sherloc (09022015). Collection method: clinical testing. Allele origin: germline.
Comment: This variant, c.3230_3238del, results in the deletion of 3 amino acid(s) of the APC protein (p.Val1077_Thr1079del), but otherwise preserves the integrity of the reading frame. This variant is not present in population databases (gnomAD no frequency). This variant has not been reported in the literature in individuals affected with APC-related conditions. ClinVar contains an entry for this variant (Variation ID: 1809542). Experimental studies and prediction algorithms are not available or were not evaluated, and the functional significance of this variant is currently unknown. In summary, the available evidence is currently insufficient to determine the role of this variant in disease. Therefore, it has been classified as a Variant of Uncertain Significance.

Quest Diagnostics Nichols Institute San Juan Capistrano
Classification: Uncertain significance. Last evaluated: 2021-08-19. Review status: criteria provided, single submitter. Criteria: Quest Diagnostics criteria. Collection method: clinical testing. Allele origin: unknown.